The following is an entry in ClinVar:

ClinVar aggregate classification (germline): Pathogenic (1 of 4 stars; one submission).

Allele frequency attached by ClinVar (database versions not stated): TOPMed 0.00001.
gnomAD v4.1: 4 of 1,614,198 alleles (0.00025%); highest among the groups gnomAD compares: Non-Finnish European, 0.00034%; no homozygotes.

Submission:

Labcorp Genetics (formerly Invitae), Labcorp
Classification: Pathogenic. Last evaluated: 2023-06-13. Review status: criteria provided, single submitter. Criteria: Invitae Variant Classification Sherloc (09022015). Collection method: clinical testing. Allele origin: germline.
Comment: This sequence change creates a premature translational stop signal (p.Glu1895*) in the TECTA gene. It is expected to result in an absent or disrupted protein product. Loss-of-function variants in TECTA are known to be pathogenic (PMID: 11087000, 12746400, 17431902, 24130743). This variant is not present in population databases (gnomAD no frequency). For these reasons, this variant has been classified as Pathogenic. This variant has not been reported in the literature in individuals affected with TECTA-related conditions.

Literature cited by the submitters: PubMed 11087000; PubMed 12746400; PubMed 17431902; PubMed 24130743.

NM_005422.4(TECTA):c.5683G>T (p.Glu1895Ter)

Genes: TBCEL-TECTA (TBCEL-TECTA readthrough; plus strand), TECTA (tectorin alpha; plus strand). Cytogenetic location: 11q23.3.
Variant type: single nucleotide variant.
Coding change: c.5683G>T on transcript NM_005422.4 (MANE Select); coding-DNA position 5683, G replaced by T.
Protein change: p.Glu1895Ter; replaces glutamic acid 1895 with a stop codon.
Molecular consequence: nonsense.
Genome position (GRCh38, 1-based): chr11:121,168,150, G>T. VCF-style: chr11-121168150-G-T. GRCh37 (hg19) VCF-style: chr11-121038859-G-T.
Other names: c.6625G>T, p.Glu2209Ter (NM_001378761.1); short protein forms E1895*, E2209*.
Identifiers: ClinVar variation 3012204 (VCV003012204.3), dbSNP rs1417714105, ClinGen allele CA383035498.